The following is an entry in ClinVar:

ClinVar aggregate classification (germline): Uncertain significance (1 of 4 stars; one submission).

Conditions:
Norman-Roberts syndrome (LIS2). Also called: Lissencephaly 2 (Norman-Roberts type). Identifiers: Orphanet 89844, MedGen C0796089, MONDO:0009760, OMIM 257320.
Familial temporal lobe epilepsy 7. Identifiers: Orphanet 101046, MedGen C4225327, MONDO:0014639, OMIM 616436.

gnomAD v4.1: 10 of 1,614,112 alleles (0.00062%); highest among the groups gnomAD compares: Non-Finnish European, 0.00085%; no homozygotes.

Submission:

Labcorp Genetics (formerly Invitae), Labcorp
Classification: Uncertain significance for Familial temporal lobe epilepsy 7; Norman-Roberts syndrome. Last evaluated: 2024-07-09. Review status: criteria provided, single submitter. Criteria: Invitae Variant Classification Sherloc (09022015). Collection method: clinical testing. Allele origin: germline.
Comment: This sequence change replaces glutamine, which is neutral and polar, with histidine, which is basic and polar, at codon 1588 of the RELN protein (p.Gln1588His). This variant is present in population databases (rs771421559, gnomAD 0.0009%). This variant has not been reported in the literature in individuals affected with RELN-related conditions. Advanced modeling of protein sequence and biophysical properties (such as structural, functional, and spatial information, amino acid conservation, physicochemical variation, residue mobility, and thermodynamic stability) performed at Invitae indicates that this missense variant is not expected to disrupt RELN protein function with a negative predictive value of 80%. In summary, the available evidence is currently insufficient to determine the role of this variant in disease. Therefore, it has been classified as a Variant of Uncertain Significance.

NM_005045.4(RELN):c.4764G>C (p.Gln1588His)

Gene: RELN (reelin; minus strand). Cytogenetic location: 7q22.1.
Variant type: single nucleotide variant.
Coding change: c.4764G>C on transcript NM_005045.4 (MANE Select); coding-DNA position 4764, G replaced by C.
Protein change: p.Gln1588His; replaces glutamine 1588 with histidine.
Molecular consequence: missense variant.
Genome position (GRCh38, 1-based): chr7:103,566,396, C>G on the plus strand (G>C on the coding strand, the complement: RELN is on the minus strand). VCF-style: chr7-103566396-C-G. GRCh37 (hg19) VCF-style: chr7-103206843-C-G.
Other names: c.4764G>C, p.Gln1588His (NM_173054.3); short protein forms Q1588H.
Identifiers: ClinVar variation 3749254 (VCV003749254.2).